The following is an entry in ClinVar:

ClinVar aggregate classification (germline): Uncertain significance (1 of 4 stars; one submission).

Submission:

Labcorp Genetics (formerly Invitae), Labcorp
Classification: Uncertain significance. Last evaluated: 2023-07-09. Review status: criteria provided, single submitter. Criteria: Invitae Variant Classification Sherloc (09022015). Collection method: clinical testing. Allele origin: germline.
Comment: In summary, the available evidence is currently insufficient to determine the role of this variant in disease. Therefore, it has been classified as a Variant of Uncertain Significance. Algorithms developed to predict the effect of sequence changes on RNA splicing suggest that this variant may create or strengthen a splice site. Algorithms developed to predict the effect of missense changes on protein structure and function output the following: SIFT: "Not Available"; PolyPhen-2: "Benign"; Align-GVGD: "Not Available". The threonine amino acid residue is found in multiple mammalian species, which suggests that this missense change does not adversely affect protein function. This variant has not been reported in the literature in individuals affected with CDT1-related conditions. This variant is not present in population databases (gnomAD no frequency). This sequence change replaces alanine, which is neutral and non-polar, with threonine, which is neutral and polar, at codon 283 of the CDT1 protein (p.Ala283Thr).

NM_030928.4(CDT1):c.847G>A (p.Ala283Thr)

Gene: CDT1 (chromatin licensing and DNA replication factor 1; plus strand). Cytogenetic location: 16q24.3.
Variant type: single nucleotide variant.
Coding change: c.847G>A on transcript NM_030928.4 (MANE Select); coding-DNA position 847, G replaced by A.
Protein change: p.Ala283Thr; replaces alanine 283 with threonine.
Molecular consequence: missense variant.
Genome position (GRCh38, 1-based): chr16:88,806,035, G>A. VCF-style: chr16-88806035-G-A. GRCh37 (hg19) VCF-style: chr16-88872443-G-A.
Other names: short protein forms A283T.
Identifiers: ClinVar variation 2739619 (VCV002739619.3), dbSNP rs1567501791, ClinGen allele CA397077565.
Genomic context (GRCh38, chr16:88,806,035, plus strand): 5'-TGGCTGGGTGGCCTGGTGGGGACTTAGGCCTGGACTCGTCCCACAGAGGCTGACGGAGCA[G>A]CCCCCCAGCTCACGGCCTCGCGCCTCCTGCAGCGACGGCAGATCTTCAGCCAGAAGCTGG-3'
Protein context (NP_112190.2, residues 273-293): PLLEQEADGA[Ala283Thr]PQLTASRLLQ